The following is an entry in ClinVar:

ClinVar aggregate classification (germline): Uncertain significance (1 of 4 stars; one submission).

gnomAD v4.1: 4 of 1,613,736 alleles (0.00025%); highest among the groups gnomAD compares: Non-Finnish European, 0.00025%; no homozygotes.

Submission:

GeneDx
Classification: Uncertain significance. Last evaluated: 2022-09-29. Review status: criteria provided, single submitter. Criteria: GeneDx Variant Classification Process June 2021. Collection method: clinical testing. Allele origin: germline. Affected: yes.
Comment: Not observed at significant frequency in large population cohorts (gnomAD); In silico analysis supports that this missense variant has a deleterious effect on protein structure/function; Has not been previously published as pathogenic or benign to our knowledge

NM_001020658.2(PUM1):c.2636A>G (p.Gln879Arg)

Genes: PUM1 (pumilio RNA binding family member 1; minus strand), LOC126805680 (BRD4-independent group 4 enhancer GRCh37_chr1:31424624-31425823; plus strand). Cytogenetic location: 1p35.2.
Variant type: single nucleotide variant.
Coding change: c.2636A>G on transcript NM_001020658.2 (MANE Select); coding-DNA position 2636, A replaced by G.
Protein change: p.Gln879Arg; replaces glutamine 879 with arginine.
Molecular consequence: missense variant.
Genome position (GRCh38, 1-based): chr1:30,952,319, T>C on the plus strand (A>G on the coding strand, the complement: PUM1 is on the minus strand). VCF-style: chr1-30952319-T-C. GRCh37 (hg19) VCF-style: chr1-31425166-T-C.
Other names: c.2636A>G, p.Gln879Arg (NM_014676.3); short protein forms Q879R.
Identifiers: ClinVar variation 1708665 (VCV001708665.2), dbSNP rs2521431471, ClinGen allele CA339563943.
Genomic context (GRCh38, chr1:30,952,319, plus strand): 5'-TTACCAAACACATCCACCATGAGTTGGTAGGCAGCCTGGAGGATTTCATTGAAGACAAGC[T>C]GGCGCTCAGCTGGTGTGGCACGCTCCAGTTTCAGCTGAATGAATCTGAAGTACAAAGTAA-3'
Protein context (NP_001018494.1, residues 869-889): KLERATPAER[Gln879Arg]LVFNEILQAA